The following is an entry in ClinVar:

ClinVar aggregate classification (germline): Likely benign. Review status: criteria provided, multiple submitters, no conflicts (2 of 4 stars). 3 submissions from 3 submitters: Likely benign (3). Last evaluated 2024-05-22.

Conditions:
Ataxia-telangiectasia syndrome (AT). Also called: AT, COMPLEMENTATION GROUP C; ATAXIA-TELANGIECTASIA, COMPLEMENTATION GROUP A; ATAXIA-TELANGIECTASIA, FRESNO VARIANT; LOUIS-BAR SYNDROME; Ataxia-telangiectasia; Cerebello-oculocutaneous telangiectasia. Identifiers: Orphanet 100, MedGen C0004135, MONDO:0008840, OMIM 208900.
Familial cancer of breast. Also called: BREAST CANCER, FAMILIAL; hereditary breast carcinoma; Hereditary breast cancer. Identifiers: Orphanet 227535, MedGen C0346153, MONDO:0016419, OMIM 114480. Disease mechanism: loss of function.

Allele frequency attached by ClinVar (database versions not stated): gnomAD exomes below 0.00001.
gnomAD v4.1: 2 of 1,613,350 alleles (0.00012%); highest among the groups gnomAD compares: Non-Finnish European, 0.00017%; no homozygotes.

Submissions (3):

Myriad Genetics, Inc.
Classification: Likely benign for Familial cancer of breast. Last evaluated: 2024-05-22. Review status: criteria provided, single submitter. Criteria: Myriad Autosomal Dominant, Autosomal Recessive and X-Linked Classification Criteria (2023). Collection method: clinical testing. Allele origin: unknown.
Comment: This variant is considered likely benign. This variant is intronic and is not expected to impact mRNA splicing.

Labcorp Genetics (formerly Invitae), Labcorp
Classification: Likely benign for Ataxia-telangiectasia syndrome. Last evaluated: 2024-04-16. Review status: criteria provided, single submitter. Criteria: Invitae Variant Classification Sherloc (09022015). Collection method: clinical testing. Allele origin: germline.

GeneDx
Classification: Likely benign. Last evaluated: 2016-05-05. Review status: criteria provided, single submitter. Criteria: GeneDx Variant Classification (06012015). Collection method: clinical testing. Allele origin: germline. Affected: yes.
Comment: This variant is considered likely benign or benign based on one or more of the following criteria: it is a conservative change, it occurs at a poorly conserved position in the protein, it is predicted to be benign by multiple in silico algorithms, and/or has population frequency not consistent with disease.

NM_000051.4(ATM):c.5178-18T>C

Gene: ATM (ATM serine/threonine kinase; plus strand). Cytogenetic location: 11q22.3.
Variant type: single nucleotide variant.
Coding change: c.5178-18T>C on transcript NM_000051.4 (MANE Select); 18 bases into the intron before coding-DNA position 5178, T replaced by C.
Molecular consequence: intron variant.
Genome position (GRCh38, 1-based): chr11:108,301,630, T>C. VCF-style: chr11-108301630-T-C. GRCh37 (hg19) VCF-style: chr11-108172357-T-C.
Other names: c.5178-18T>C (NM_001351834.2).
Identifiers: ClinVar variation 385947 (VCV000385947.9), dbSNP rs1057522381, ClinGen allele CA16606192.
Genomic context (GRCh38, chr11:108,301,630, plus strand): 5'-AATTTTTTCAGTGGAGGTTAACATTCATCAAGATTAATAACTGGTGTACTTGATAGGCAT[T>C]TGAATTGTTTTTTTCAGTGTCAAAGTTCGATCAGCAGCTGTTACCTGTTTGAAAAACATT-3'